The following is an entry in ClinVar:

ClinVar aggregate classification (germline): Conflicting classifications of pathogenicity. Review status: criteria provided, conflicting classifications (1 of 4 stars). 6 submissions from 6 submitters: Uncertain significance (2); Likely benign (4). Last evaluated 2026-03-25.

Conditions:
Marfan syndrome (MFS). Also called: MARFAN SYNDROME, TYPE I; FBN1-Related Marfan Syndrome; Marfan syndrome type 1; Marfan's syndrome; Marfan syndrome, classic. Identifiers: Orphanet 284963, Orphanet 558, MedGen C0024796, MONDO:0007947, OMIM 154700.
Familial thoracic aortic aneurysm and aortic dissection (TAAD). Also called: Thoracic aortic aneurysms and dissections. Identifiers: Orphanet 91387, MedGen C4707243, MONDO:0019625.

Allele frequency attached by ClinVar (database versions not stated): gnomAD below 0.00001 and 0.00002; ExAC 0.00006; gnomAD exomes 0.00004 and 0.00009.
gnomAD v4.1: 62 of 1,611,878 alleles (0.0038%); highest among the groups gnomAD compares: South Asian, 0.066%; no homozygotes.

Submissions (6):

GeneDx
Classification: Uncertain significance. Last evaluated: 2026-03-25. Review status: criteria provided, single submitter. Criteria: GeneDx Variant Classification Process June 2021. Collection method: clinical testing. Allele origin: germline.
Comment: In silico analysis suggests that this missense variant does not alter protein structure/function; Has not been previously published as pathogenic or benign to our knowledge; Does not affect a cysteine or calcium-binding residue within an EGF-like domain or a TGF-binding protein domain of the FBN1 gene; cysteine substitutions in the EGF-like domains represent the majority of pathogenic missense changes associated with FBN1-related disorders (PMID: 12938084); This variant is associated with the following publications: (PMID: 12938084)

Ambry Genetics
Classification: Likely benign for Familial thoracic aortic aneurysm and aortic dissection. Last evaluated: 2026-03-07. Review status: criteria provided, single submitter. Criteria: Ambry Variant Classification Scheme 2023. Collection method: clinical testing. Allele origin: germline.

Labcorp Genetics (formerly Invitae), Labcorp
Classification: Likely benign for Marfan syndrome; Familial thoracic aortic aneurysm and aortic dissection. Last evaluated: 2025-12-03. Review status: criteria provided, single submitter. Criteria: Invitae Variant Classification Sherloc (09022015). Collection method: clinical testing. Allele origin: germline.

All of Us Research Program, National Institutes of Health
Classification: Likely benign for Marfan syndrome. Last evaluated: 2024-05-30. Review status: criteria provided, single submitter. Criteria: ACMG Guidelines, 2015. Collection method: clinical testing. Allele origin: germline. Inheritance: Autosomal dominant inheritance. Observed: 2 variant alleles, 2 heterozygotes.
Comment: This study involves interpretation of variants in research participants for the purpose of population health screening. Participant phenotype was not available at the time of variant classification. Additional details can be found in publication PMID: 35346344, PMCID: PMC8962531

Color Diagnostics, LLC DBA Color Health
Classification: Likely benign for Familial thoracic aortic aneurysm and aortic dissection. Last evaluated: 2020-08-26. Review status: criteria provided, single submitter. Criteria: ACMG Guidelines, 2015. Collection method: clinical testing. Allele origin: germline.

Women's Health and Genetics/Laboratory Corporation of America, LabCorp
Classification: Uncertain significance. Last evaluated: 2016-01-28. Review status: criteria provided, single submitter. Criteria: LabCorp Variant Classification Summary - May 2015. Collection method: clinical testing. Allele origin: germline.

NM_000138.5(FBN1):c.3575G>A (p.Arg1192Lys)

Gene: FBN1 (fibrillin 1; minus strand). Cytogenetic location: 15q21.1.
Variant type: single nucleotide variant.
Coding change: c.3575G>A on transcript NM_000138.5 (MANE Select); coding-DNA position 3575, G replaced by A.
Protein change: p.Arg1192Lys; replaces arginine 1192 with lysine.
Molecular consequence: missense variant.
Genome position (GRCh38, 1-based): chr15:48,487,089, C>T on the plus strand (G>A on the coding strand, the complement: FBN1 is on the minus strand). VCF-style: chr15-48487089-C-T. GRCh37 (hg19) VCF-style: chr15-48779286-C-T.
Other names: short protein forms R1192K.
Identifiers: ClinVar variation 495597 (VCV000495597.11), dbSNP rs751764864, ClinGen allele CA051106.